The following is an entry in ClinVar:

ClinVar aggregate classification (germline): Likely pathogenic (1 of 4 stars; one submission).

Conditions:
Spondyloepiphyseal dysplasia, Kimberley type. Identifiers: Orphanet 93283, MedGen C1842149, MONDO:0012019, OMIM 608361.
Short stature and advanced bone age, with or without early-onset osteoarthritis and/or osteochondritis dissecans (SSOAOD). Identifiers: Orphanet 251262, MedGen C3665488, MONDO:0100462, OMIM 165800.
Spondyloepimetaphyseal dysplasia, aggrecan type. Also called: SEMD, AGGRECAN TYPE. Identifiers: Orphanet 171866, MedGen C2748544, MONDO:0013014, OMIM 612813.

Submission:

Juno Genomics, Hangzhou Juno Genomics, Inc
Classification: Likely pathogenic for Spondyloepiphyseal dysplasia, Kimberley type; Short stature and advanced bone age, with or without early-onset osteoarthritis and/or osteochondritis dissecans; Spondyloepimetaphyseal dysplasia, aggrecan type. Review status: criteria provided, single submitter. Criteria: ACMG Guidelines, 2015. Collection method: clinical testing. Allele origin: germline. Affected: yes.
Comment: Absent from controls (or at extremely low frequency if recessive) in Genome Aggregation Database, Exome Sequencing Project, 1000 Genomes Project, or Exome Aggregation Consortium.;Null variant in a gene where loss of function (LOF) is a known mechanism of disease.

NM_001369268.1(ACAN):c.2858dup (p.Asp953fs)

Gene: ACAN (aggrecan; plus strand). Cytogenetic location: 15q26.1.
Variant type: Duplication.
Coding change: c.2858dup on transcript NM_001369268.1 (MANE Select); coding-DNA position 2858, one base duplicated (A; older notation c.2858dupA).
Protein change: p.Asp953fs; shifts the reading frame from aspartic acid 953.
Molecular consequence: frameshift variant.
Genome position (GRCh38, 1-based): chr15:88,855,443, A duplicated. VCF-style (leftmost placement, unchanged base first): chr15-88855442-G-GA. GRCh37 (hg19) VCF-style: chr15-89398673-G-GA.
Other names: c.2858dup, p.Asp953fs (NM_001135.4, NM_001411096.1, NM_001411097.1 and 1 more transcripts); short protein forms D953fs.
Identifiers: ClinVar variation 3382910 (VCV003382910.2).